The following is an entry in ClinVar:

NM_002519.3(NPAT):c.1586A>C (p.Lys529Thr)

Gene: NPAT (nuclear protein, coactivator of histone transcription; minus strand). Cytogenetic location: 11q22.3.
Variant type: single nucleotide variant.
Coding change: c.1586A>C on transcript NM_002519.3 (MANE Select); coding-DNA position 1586, A replaced by C.
Protein change: p.Lys529Thr; replaces lysine 529 with threonine.
Molecular consequence: missense variant.
Genome position (GRCh38, 1-based): chr11:108,173,398, T>G on the plus strand (A>C on the coding strand, the complement: NPAT is on the minus strand). VCF-style: chr11-108173398-T-G. GRCh37 (hg19) VCF-style: chr11-108044125-T-G.
Other names: c.1586A>C, p.Lys529Thr (NM_001321307.1); short protein forms K529T.
Identifiers: ClinVar variation 3300643 (VCV003300643.1).

ClinVar aggregate classification (germline): Uncertain significance (1 of 4 stars; one submission).

Submission:

Ambry Genetics
Classification: Uncertain significance. Last evaluated: 2024-03-20. Review status: criteria provided, single submitter. Criteria: Ambry Variant Classification Scheme 2023. Collection method: clinical testing. Allele origin: germline.
Comment: The p.K529T variant (also known as c.1586A>C), located in coding exon 13 of the NPAT gene, results from an A to C substitution at nucleotide position 1586. The lysine at codon 529 is replaced by threonine, an amino acid with similar properties. This amino acid position is conserved. In addition, this alteration is predicted to be tolerated by in silico analysis. Based on the available evidence, the clinical significance of this alteration remains unclear.